The following is an entry in ClinVar:

ClinVar aggregate classification (germline): Uncertain significance (1 of 4 stars; one submission).

Conditions:
Hereditary cancer-predisposing syndrome. Also called: Tumor predisposition; Hereditary neoplastic syndrome; Hereditary Cancer Syndrome; Neoplastic Syndromes, Hereditary. Identifiers: Orphanet 140162, MedGen C0027672, MeSH D009386, MONDO:0015356.

gnomAD v4.1: 1 of 1,614,206 alleles (0.000062%); highest among the groups gnomAD compares: South Asian, 0.0011%; no homozygotes.

Submission:

Ambry Genetics
Classification: Uncertain significance for Hereditary cancer-predisposing syndrome. Last evaluated: 2025-03-18. Review status: criteria provided, single submitter. Criteria: Ambry Variant Classification Scheme 2023. Collection method: clinical testing. Allele origin: germline.
Comment: The p.R297G variant (also known as c.889A>G), located in coding exon 5 of the PDGFRA gene, results from an A to G substitution at nucleotide position 889. The arginine at codon 297 is replaced by glycine, an amino acid with dissimilar properties. This amino acid position is conserved. In addition, this alteration is predicted to be tolerated by in silico analysis. Based on the available evidence, the clinical significance of this variant remains unclear.

NM_006206.6(PDGFRA):c.889A>G (p.Arg297Gly)

Gene: PDGFRA (platelet derived growth factor receptor alpha; plus strand). Cytogenetic location: 4q12.
Variant type: single nucleotide variant.
Coding change: c.889A>G on transcript NM_006206.6 (MANE Select); coding-DNA position 889, A replaced by G.
Protein change: p.Arg297Gly; replaces arginine 297 with glycine.
Molecular consequence: missense variant.
Genome position (GRCh38, 1-based): chr4:54,267,418, A>G. VCF-style: chr4-54267418-A-G. GRCh37 (hg19) VCF-style: chr4-55133585-A-G.
Other names: c.889A>G, p.Arg297Gly (NM_001347827.2, NM_001347829.2); c.964A>G, p.Arg322Gly (NM_001347828.2); c.928A>G, p.Arg310Gly (NM_001347830.2); short protein forms R310G, R322G, R297G.
Identifiers: ClinVar variation 3930171 (VCV003930171.1).